The following is an entry in ClinVar:

Conditions:
Breast-ovarian cancer, familial, susceptibility to, 1 (BROVCA1). Also called: BRCA1 Hereditary Breast and Ovarian Cancer; OVARIAN CANCER, SUSCEPTIBILITY TO. Identifiers: Orphanet 145, MedGen C2676676, MONDO:0011450, OMIM 604370. Disease mechanism: loss of function.

Submission:

Brotman Baty Institute, University of Washington
No classification provided (evidence only). Condition: Breast-ovarian cancer, familial 1. Review status: no classification provided. Collection method: in vitro. Allele origin: not applicable. Functional consequence: functionally_abnormal.
ClinVar note: "not provided" was previously submitted as the classification for the variant. However, the classification appeared to be based only on an observation of functional data so it was converted to no classification on 2025-07-30.

NM_007294.4(BRCA1):c.245T>A (p.Leu82His)

Gene: BRCA1 (BRCA1 DNA repair associated; minus strand). Cytogenetic location: 17q21.31.
Variant type: single nucleotide variant.
Coding change: c.245T>A on transcript NM_007294.4 (MANE Select); coding-DNA position 245, T replaced by A.
Protein change: p.Leu82His; replaces leucine 82 with histidine.
Molecular consequence: missense variant. On other transcripts: non-coding transcript variant (1).
Genome position (GRCh38, 1-based): chr17:43,104,924, A>T on the plus strand (T>A on the coding strand, the complement: BRCA1 is on the minus strand). VCF-style: chr17-43104924-A-T. GRCh37 (hg19) VCF-style: chr17-41256941-A-T.
Other names: c.35T>A, p.Leu12His (NM_001407882.1, NM_001407884.1, NM_001407885.1 and 58 more transcripts); c.245T>A, p.Leu82His (NM_001407919.1, NM_001407937.1, NM_001407938.1 and 168 more transcripts); c.104T>A, p.Leu35His (NM_001407920.1, NM_001407921.1, NM_001407922.1 and 99 more transcripts); c.-137T>A (NM_001407959.1, NM_001407960.1, NM_001407962.1 and 4 more transcripts); c.167T>A, p.Leu56His (NM_001408409.1, NM_001408411.1, NM_001408412.1 and 21 more transcripts); c.113T>A, p.Leu38His (NM_001408451.1); short protein forms L35H, L82H, L56H, L38H, L12H.
Identifiers: ClinVar variation 867369 (VCV000867369.3), dbSNP rs2054687973, ClinGen allele CA10601666.